The following is an entry in ClinVar:

NM_020800.3(IFT80):c.2224-10dup

Genes: IFT80 (intraflagellar transport 80; minus strand), TRIM59-IFT80 (TRIM59-IFT80 readthrough (NMD candidate); minus strand). Cytogenetic location: 3q25.33.
Variant type: Duplication.
Coding change: c.2224-10dup on transcript NM_020800.3 (MANE Select); 10 bases into the intron before coding-DNA position 2224, one base duplicated (T; older notation c.2224-10dupT).
Molecular consequence: intron variant.
Genome position (GRCh38, 1-based): chr3:160,258,645, A duplicated on the plus strand (T on the coding strand, the reverse complement: IFT80 is on the minus strand); the first of 10 consecutive A bases (chr3:160,258,645-160,258,654); duplicating any one gives the same sequence. VCF-style (leftmost placement, unchanged base first): chr3-160258644-G-GA. GRCh37 (hg19) VCF-style: chr3-159976432-G-GA.
Other names: p.?; c.2224-10dup (NM_020800.2); c.2224-10dupT (NM_020800.2); c.1813-10dup (NM_001190241.2, NM_001190242.2).
Identifiers: ClinVar variation 215529 (VCV000215529.17), dbSNP rs58665245, ClinGen allele CA336222.

ClinVar aggregate classification (germline): Benign. Review status: criteria provided, multiple submitters, no conflicts (2 of 4 stars). 3 submissions from 3 submitters: Benign (3). Last evaluated 2026-02-04.

Conditions:
Jeune thoracic dystrophy. Also called: Infantile thoracic dystrophy; Thoracic pelvic phalangeal dystrophy; Jeune's syndrome; Chondroectodermal dysplasia-like syndrome; Short-rib thoracic dysplasia; Jeune syndrome. Identifiers: Orphanet 474, MedGen C0265275, MONDO:0018770.

Submissions (3):

Labcorp Genetics (formerly Invitae), Labcorp
Classification: Benign for Jeune thoracic dystrophy. Last evaluated: 2026-02-04. Review status: criteria provided, single submitter. Criteria: Invitae Variant Classification Sherloc (09022015). Collection method: clinical testing. Allele origin: germline.

Mayo Clinic Laboratories, Mayo Clinic
Classification: Benign. Last evaluated: 2022-04-26. Review status: criteria provided, single submitter. Criteria: ACMG Guidelines, 2015. Collection method: clinical testing. Allele origin: germline. Observed: 48 variant alleles.

GeneDx
Classification: Benign. Last evaluated: 2017-10-26. Review status: criteria provided, single submitter. Criteria: GeneDx Variant Classification (06012015). Collection method: clinical testing. Allele origin: germline. Affected: yes.
Comment: This variant is considered likely benign or benign based on one or more of the following criteria: it is a conservative change, it occurs at a poorly conserved position in the protein, it is predicted to be benign by multiple in silico algorithms, and/or has population frequency not consistent with disease.